The following is an entry in ClinVar:

NM_001429.4(EP300):c.1879-14C>A

Gene: EP300 (EP300 lysine acetyltransferase; plus strand). Cytogenetic location: 22q13.2.
Variant type: single nucleotide variant.
Coding change: c.1879-14C>A on transcript NM_001429.4 (MANE Select); 14 bases into the intron before coding-DNA position 1879, C replaced by A.
Molecular consequence: intron variant.
Genome position (GRCh38, 1-based): chr22:41,141,034, C>A. VCF-style: chr22-41141034-C-A. GRCh37 (hg19) VCF-style: chr22-41537038-C-A.
Other names: c.1879-14C>A (NM_001362843.2).
Identifiers: ClinVar variation 4982050 (VCV004982050.1).
Genomic context (GRCh38, chr22:41,141,034, plus strand): 5'-GTTTATTTTTTCTGTTACCTGGTGGTAGTTCCTTTTTTCCTCATCTCCCTTATTTTACTT[C>A]AACAATTCAAAAGGCGGAATACTACCACCTTCTAGCTGAGAAAATCTATAAGATCCAGAA-3'

ClinVar aggregate classification (germline): Likely benign (1 of 4 stars; one submission).

Conditions:
EP300-related disorder. Also called: EP300-related condition; EP300-related disorders.

gnomAD v4.1: 1 of 1,612,810 alleles (0.000062%); highest among the groups gnomAD compares: East Asian, 0.0022%; no homozygotes.

Submission:

PreventionGenetics, part of Exact Sciences
Classification: Likely benign for EP300-related condition. Last evaluated: 2025-12-30. Review status: criteria provided, single submitter. Criteria: ACMG Guidelines, 2015. Collection method: clinical testing. Allele origin: germline.
Comment: This variant is classified as likely benign based on ACMG/AMP sequence variant interpretation guidelines (Richards et al. 2015 PMID: 25741868, with internal and published modifications).